The following is an entry in ClinVar:

ClinVar aggregate classification (germline): Uncertain significance (1 of 4 stars; one submission).

Allele frequency attached by ClinVar (database versions not stated): TOPMed 0.00003.
gnomAD v4.1: 7 of 1,613,768 alleles (0.00043%); highest among the groups gnomAD compares: South Asian, 0.0011%; no homozygotes.

Submission:

Labcorp Genetics (formerly Invitae), Labcorp
Classification: Uncertain significance. Last evaluated: 2025-08-29. Review status: criteria provided, single submitter. Criteria: Invitae Variant Classification Sherloc (09022015). Collection method: clinical testing. Allele origin: germline.
Comment: This sequence change replaces arginine, which is basic and polar, with tryptophan, which is neutral and slightly polar, at codon 1741 of the SPTBN2 protein (p.Arg1741Trp). This variant is present in population databases (no rsID available, gnomAD 0.003%). This variant has not been reported in the literature in individuals affected with SPTBN2-related conditions. ClinVar contains an entry for this variant (Variation ID: 2186035). Invitae Evidence Modeling of protein sequence and biophysical properties (such as structural, functional, and spatial information, amino acid conservation, physicochemical variation, residue mobility, and thermodynamic stability) indicates that this missense variant is not expected to disrupt SPTBN2 protein function with a negative predictive value of 80%. In summary, the available evidence is currently insufficient to determine the role of this variant in disease. Therefore, it has been classified as a Variant of Uncertain Significance.

NM_006946.4(SPTBN2):c.5221C>T (p.Arg1741Trp)

Gene: SPTBN2 (spectrin beta, non-erythrocytic 2; minus strand). Cytogenetic location: 11q13.2.
Variant type: single nucleotide variant.
Coding change: c.5221C>T on transcript NM_006946.4 (MANE Select); coding-DNA position 5221, C replaced by T.
Protein change: p.Arg1741Trp; replaces arginine 1741 with tryptophan.
Molecular consequence: missense variant.
Genome position (GRCh38, 1-based): chr11:66,691,628, G>A on the plus strand (C>T on the coding strand, the complement: SPTBN2 is on the minus strand). VCF-style: chr11-66691628-G-A. GRCh37 (hg19) VCF-style: chr11-66459099-G-A.
Other names: c.5242C>T, p.Arg1748Trp (NM_001411025.1); short protein forms R1741W, R1748W.
Identifiers: ClinVar variation 2186035 (VCV002186035.4), dbSNP rs768308769, ClinGen allele CA224078848.